The following is an entry in ClinVar:

NM_004004.6(GJB2):c.677T>A (p.Val226Asp)

Gene: GJB2 (gap junction protein beta 2; minus strand). Cytogenetic location: 13q12.11.
Variant type: single nucleotide variant.
Coding change: c.677T>A on transcript NM_004004.6 (MANE Select); coding-DNA position 677, T replaced by A.
Protein change: p.Val226Asp; replaces valine 226 with aspartic acid.
Molecular consequence: missense variant.
Genome position (GRCh38, 1-based): chr13:20,188,905, A>T on the plus strand (T>A on the coding strand, the complement: GJB2 is on the minus strand). VCF-style: chr13-20188905-A-T. GRCh37 (hg19) VCF-style: chr13-20763044-A-T.
Other names: short protein forms V226D.
Identifiers: ClinVar variation 585322 (VCV000585322.3), dbSNP rs773846324, ClinGen allele CA387460663.

ClinVar aggregate classification (germline): Uncertain significance (3 of 4 stars; one submission).

Conditions:
Nonsyndromic genetic hearing loss. Also called: Nonsyndromic genetic deafness; Non-syndromic genetic deafness; Nonsyndromic hearing loss and deafness. Identifiers: Orphanet 87884, MedGen C5680182, MONDO:0019497.

gnomAD v4.1: 3 of 1,612,440 alleles (0.00019%); highest among the groups gnomAD compares: Non-Finnish European, 0.000085%; no homozygotes.

Submission:

ClinGen Hearing Loss Variant Curation Expert Panel
Classification: Uncertain significance for Nonsyndromic genetic hearing loss. Last evaluated: 2023-08-22. Review status: reviewed by expert panel. Criteria: Clingen Hl Acmg Specifications Cdh23 Coch Gjb2 Kcnq4 Myo6 Myo7a Slc26a4 Tecta Ush2a V2. Collection method: curation. Allele origin: germline. Inheritance: Autosomal recessive inheritance.
Comment: The NM_004004.6:c.677T>A variant in GJB2 is a missense variant predicted to cause substitution of valine by aspartic acid at amino acid 226 (p.Val226Asp). The variant was absent from gnomAD v2.1.1 meeting PM2_Supporting. The REVEL computational prediction analysis tool produced a score of 0.57 (PP3/BP4 not met). This variant has been identified in a heterozygous state in one individual with sensorineural hearing loss (PMID: 20201936). In summary, this variant meets the criteria to be classified as a variant of uncertain significance for autosomal recessive nonsyndromic hearing loss. ACMG/AMP criteria applied as specified by the ClinGen Hearing Loss VCEP: PM2_Supporting (ClinGen Hearing Loss VCEP specifications version 2; 8/22/2023).